The following is an entry in ClinVar:

NM_001291303.3(FAT4):c.865C>G (p.Leu289Val)

Gene: FAT4 (FAT atypical cadherin 4; plus strand). Cytogenetic location: 4q28.1.
Variant type: single nucleotide variant.
Coding change: c.865C>G on transcript NM_001291303.3 (MANE Select); coding-DNA position 865, C replaced by G.
Protein change: p.Leu289Val; replaces leucine 289 with valine.
Molecular consequence: missense variant.
Genome position (GRCh38, 1-based): chr4:125,317,276, C>G. VCF-style: chr4-125317276-C-G. GRCh37 (hg19) VCF-style: chr4-126238431-C-G.
Other names: c.865C>G, p.Leu289Val (NM_001291285.3, NM_024582.6); short protein forms L289V.
Identifiers: ClinVar variation 3687119 (VCV003687119.2).

ClinVar aggregate classification (germline): Uncertain significance (1 of 4 stars; one submission).

gnomAD v4.1: 2 of 1,585,178 alleles (0.00013%); highest among the groups gnomAD compares: Middle Eastern, 0.017%; no homozygotes.

Submission:

Labcorp Genetics (formerly Invitae), Labcorp
Classification: Uncertain significance. Last evaluated: 2025-01-01. Review status: criteria provided, single submitter. Criteria: Invitae Variant Classification Sherloc (09022015). Collection method: clinical testing. Allele origin: germline.
Comment: This sequence change replaces leucine, which is neutral and non-polar, with valine, which is neutral and non-polar, at codon 289 of the FAT4 protein (p.Leu289Val). This variant is not present in population databases (gnomAD no frequency). This variant has not been reported in the literature in individuals affected with FAT4-related conditions. Invitae Evidence Modeling of protein sequence and biophysical properties (such as structural, functional, and spatial information, amino acid conservation, physicochemical variation, residue mobility, and thermodynamic stability) indicates that this missense variant is not expected to disrupt FAT4 protein function with a negative predictive value of 80%. In summary, the available evidence is currently insufficient to determine the role of this variant in disease. Therefore, it has been classified as a Variant of Uncertain Significance.